The following is an entry in ClinVar:

ClinVar aggregate classification (germline): Uncertain significance (1 of 4 stars; one submission).

Submission:

Ambry Genetics
Classification: Uncertain significance. Last evaluated: 2021-06-13. Review status: criteria provided, single submitter. Criteria: Ambry Variant Classification Scheme 2023. Collection method: clinical testing. Allele origin: germline.
Comment: The p.K2366E variant (also known as c.7096A>G), located in coding exon 53 of the PRKDC gene, results from an A to G substitution at nucleotide position 7096. The lysine at codon 2366 is replaced by glutamic acid, an amino acid with similar properties. This amino acid position is conserved. In addition, this alteration is predicted to be tolerated by in silico analysis. Since supporting evidence is limited at this time, the clinical significance of this alteration remains unclear.

NM_006904.7(PRKDC):c.7096A>G (p.Lys2366Glu)

Gene: PRKDC (protein kinase, DNA-activated, catalytic subunit; minus strand). Cytogenetic location: 8q11.21.
Variant type: single nucleotide variant.
Coding change: c.7096A>G on transcript NM_006904.7 (MANE Select); coding-DNA position 7096, A replaced by G.
Protein change: p.Lys2366Glu; replaces lysine 2366 with glutamic acid.
Molecular consequence: missense variant.
Genome position (GRCh38, 1-based): chr8:47,849,413, T>C on the plus strand (A>G on the coding strand, the complement: PRKDC is on the minus strand). VCF-style: chr8-47849413-T-C. GRCh37 (hg19) VCF-style: chr8-48761974-T-C.
Other names: c.7096A>G, p.Lys2366Glu (NM_001081640.2); short protein forms K2366E.
Identifiers: ClinVar variation 1757115 (VCV001757115.2), dbSNP rs2551868721, ClinGen allele CA371157860.